The following is an entry in ClinVar:

ClinVar aggregate classification (germline): Likely benign (1 of 4 stars; one submission).

Submission:

GeneDx
Classification: Likely benign. Last evaluated: 2018-01-09. Review status: criteria provided, single submitter. Criteria: GeneDx Variant Classification (06012015). Collection method: clinical testing. Allele origin: germline. Affected: yes.
Comment: This variant is considered likely benign or benign based on one or more of the following criteria: it is a conservative change, it occurs at a poorly conserved position in the protein, it is predicted to be benign by multiple in silico algorithms, and/or has population frequency not consistent with disease.

NM_001330078.2(NRXN1):c.2301C>A (p.Leu767=)

Gene: NRXN1 (neurexin 1; minus strand). Cytogenetic location: 2p16.3.
Variant type: single nucleotide variant.
Coding change: c.2301C>A on transcript NM_001330078.2 (MANE Select); coding-DNA position 2301, C replaced by A.
Protein change: p.Leu767=; no amino-acid change (leucine 767 retained).
Molecular consequence: synonymous variant.
Genome position (GRCh38, 1-based): chr2:50,531,273, G>T on the plus strand (C>A on the coding strand, the complement: NRXN1 is on the minus strand). VCF-style: chr2-50531273-G-T. GRCh37 (hg19) VCF-style: chr2-50758411-G-T.
Other names: c.2421C>A, p.Leu807= (NM_001135659.3); c.2277C>A, p.Leu759= (NM_001330077.2, NM_001330082.2, NM_001330095.2); c.2262C>A, p.Leu754= (NM_001330083.2, NM_001330084.2); c.2301C>A, p.Leu767= (NM_001330085.2, NM_001330086.2, NM_004801.6); c.2217C>A, p.Leu739= (NM_001330087.2, NM_001330096.2); c.2247C>A, p.Leu749= (NM_001330088.2); c.2298C>A, p.Leu766= (NM_001330093.2); c.2289C>A, p.Leu763= (NM_001330094.2).
Identifiers: ClinVar variation 514346 (VCV000514346.1), dbSNP rs1553750260, ClinGen allele CA426023002.